The following is an entry in ClinVar:

ClinVar aggregate classification (germline): Uncertain significance (1 of 4 stars; one submission).

Conditions:
Hereditary diffuse gastric adenocarcinoma (HDGC). Also called: DIFFUSE GASTRIC AND LOBULAR BREAST CANCER SYNDROME. Identifiers: Orphanet 26106, MedGen C1708349, MONDO:0007648, OMIM 137215.

Submission:

Labcorp Genetics (formerly Invitae), Labcorp
Classification: Uncertain significance for Hereditary diffuse gastric adenocarcinoma. Last evaluated: 2022-07-19. Review status: criteria provided, single submitter. Criteria: Invitae Variant Classification Sherloc (09022015). Collection method: clinical testing. Allele origin: germline.
Comment: Variants that disrupt the consensus splice site are a relatively common cause of aberrant splicing (PMID: 17576681, 9536098). Algorithms developed to predict the effect of sequence changes on RNA splicing suggest that this variant is not likely to affect RNA splicing. In summary, the available evidence is currently insufficient to determine the role of this variant in disease. Therefore, it has been classified as a Variant of Uncertain Significance. ClinVar contains an entry for this variant (Variation ID: 1043623). This variant has not been reported in the literature in individuals affected with CDH1-related conditions. This variant is not present in population databases (gnomAD no frequency). This sequence change falls in intron 8 of the CDH1 gene. It does not directly change the encoded amino acid sequence of the CDH1 protein. It affects a nucleotide within the consensus splice site.

Literature cited by the submitters: PubMed 17576681; PubMed 9536098.

NM_004360.5(CDH1):c.1137+6T>C

Gene: CDH1 (cadherin 1; plus strand). Cytogenetic location: 16q22.1.
Variant type: single nucleotide variant.
Coding change: c.1137+6T>C on transcript NM_004360.5 (MANE Select); 6 bases into the intron after coding-DNA position 1137, T replaced by C.
Molecular consequence: intron variant.
Genome position (GRCh38, 1-based): chr16:68,812,269, T>C. VCF-style: chr16-68812269-T-C. GRCh37 (hg19) VCF-style: chr16-68846172-T-C.
Other names: c.-479+6T>C (NM_001317185.2); c.-683+6T>C (NM_001317186.2); c.1137+6T>C (NM_001317184.2).
Identifiers: ClinVar variation 1043623 (VCV001043623.9), dbSNP rs1960861386, ClinGen allele CA2229970015.